The following is an entry in ClinVar:

NM_022552.5(DNMT3A):c.640-3823C>A

Genes: DNMT3A (DNA methyltransferase 3 alpha; minus strand), LOC129933288 (ATAC-STARR-seq lymphoblastoid silent region 11249; plus strand). Cytogenetic location: 2p23.3.
Variant type: single nucleotide variant.
Coding change: c.640-3823C>A on transcript NM_022552.5 (MANE Select); 3823 bases into the intron before coding-DNA position 640, C replaced by A.
Molecular consequence: intron variant. On other transcripts: missense variant (1).
Genome position (GRCh38, 1-based): chr2:25,252,075, G>T on the plus strand (C>A on the coding strand, the complement: DNMT3A is on the minus strand). VCF-style: chr2-25252075-G-T. GRCh37 (hg19) VCF-style: chr2-25474944-G-T.
Other names: c.20C>A, p.Ala7Glu (NM_001320893.1); c.640-3823C>A (NM_175629.2); c.4+119C>A (NM_153759.3); c.-31+119C>A (NM_001375819.1); short protein forms A7E.
Identifiers: ClinVar variation 4987614 (VCV004987614.1).
Genomic context (GRCh38, chr2:25,252,075, plus strand): 5'-CGGCGGGCCAGCACTAAGTCAGCATCTCCAGAACTCGGGCCAGGCCGGGACGCCGCGGCT[G>T]CTGCGGGCCGGGGAGGCATACTTCACTCTTTTCAAACCCGGAGGGCTGCGGAGATCCTCC-3'

ClinVar aggregate classification (germline): Uncertain significance (1 of 4 stars; one submission).

Conditions:
DNMT3A-related disorder. Also called: DNMT3A-related condition; DNMT3A-related disorders.

gnomAD v4.1: 3 of 1,325,606 alleles (0.00023%); highest among the groups gnomAD compares: Non-Finnish European, 0.00031%; no homozygotes.

Submission:

PreventionGenetics, part of Exact Sciences
Classification: Uncertain significance for DNMT3A-related condition. Last evaluated: 2025-07-29. Review status: criteria provided, single submitter. Criteria: ACMG Guidelines, 2015. Collection method: clinical testing. Allele origin: germline.
Comment: The DNMT3A c.20C>A variant is predicted to result in the amino acid substitution p.Ala7Glu. To our knowledge, this variant has not been reported in the literature or in a large population database (gnomAD), indicating this variant is rare. At this time, the clinical significance of this variant is uncertain due to the absence of conclusive functional and genetic evidence.